The following is an entry in ClinVar:

NM_002230.4(JUP):c.-2C>T

Gene: JUP (junction plakoglobin; minus strand). Cytogenetic location: 17q21.2.
Variant type: single nucleotide variant.
Coding change: c.-2C>T on transcript NM_002230.4 (MANE Select); 2 bases upstream of the start codon, C replaced by T.
Molecular consequence: 5 prime UTR variant.
Genome position (GRCh38, 1-based): chr17:41,771,856, G>A on the plus strand (C>T on the coding strand, the complement: JUP is on the minus strand). VCF-style: chr17-41771856-G-A. GRCh37 (hg19) VCF-style: chr17-39928108-G-A.
Other names: c.-2C>T (NM_001352773.2, NM_001352774.2, NM_001352775.2 and 3 more transcripts).
Identifiers: ClinVar variation 1798656 (VCV001798656.4), dbSNP rs781926410, ClinGen allele CA8565607.

ClinVar aggregate classification (germline): Conflicting classifications of pathogenicity. Review status: criteria provided, conflicting classifications (1 of 4 stars). 2 submissions from 2 submitters: Uncertain significance (1); Likely benign (1). Last evaluated 2025-01-15.

Conditions:
Cardiovascular phenotype. Identifiers: MedGen CN230736.

Allele frequency attached by ClinVar (database versions not stated): gnomAD 0.00001; TOPMed 0.00002; ExAC 0.00005; gnomAD exomes 0.00008.
gnomAD v4.1: 122 of 1,608,170 alleles (0.0076%); highest among the groups gnomAD compares: Non-Finnish European, 0.0096%; no homozygotes.

Submissions (2):

Ambry Genetics
Classification: Uncertain significance for Cardiovascular phenotype. Last evaluated: 2025-01-15. Review status: criteria provided, single submitter. Criteria: Ambry Variant Classification Scheme 2023. Collection method: clinical testing. Allele origin: germline.
Comment: The c.-2C>T variant is located in the 5' untranslated region (5&rsquo; UTR) of the JUP gene. This variant results from a C to T substitution 2 nucleotides upstream from the first translated codon. Based on nucleotide sequence alignment, this position is well conserved in available vertebrate species. Since supporting evidence is limited at this time, the clinical significance of this alteration remains unclear.

Blueprint Genetics
Classification: Likely benign. Last evaluated: 2023-11-15. Review status: criteria provided, single submitter. Criteria: ACMG Guidelines, 2015. Collection method: clinical testing. Allele origin: germline.